The following is an entry in ClinVar:

NM_014633.5(CTR9):c.144+3C>T

Gene: CTR9 (CTR9 component of Paf1/RNA polymerase II complex; plus strand). Cytogenetic location: 11p15.4.
Variant type: single nucleotide variant.
Coding change: c.144+3C>T on transcript NM_014633.5 (MANE Select); 3 bases into the intron after coding-DNA position 144, C replaced by T.
Molecular consequence: intron variant.
Genome position (GRCh38, 1-based): chr11:10,752,773, C>T. VCF-style: chr11-10752773-C-T. GRCh37 (hg19) VCF-style: chr11-10774320-C-T.
Other names: c.144+3C>T (NM_001346279.2).
Identifiers: ClinVar variation 3618896 (VCV003618896.2).

ClinVar aggregate classification (germline): Uncertain significance (1 of 4 stars; one submission).

gnomAD v4.1: 3 of 1,608,238 alleles (0.00019%); highest among the groups gnomAD compares: South Asian, 0.0033%; no homozygotes.

Submission:

Labcorp Genetics (formerly Invitae), Labcorp
Classification: Uncertain significance. Last evaluated: 2024-10-20. Review status: criteria provided, single submitter. Criteria: Invitae Variant Classification Sherloc (09022015). Collection method: clinical testing. Allele origin: germline.
Comment: This sequence change falls in intron 2 of the CTR9 gene. It does not directly change the encoded amino acid sequence of the CTR9 protein. It affects a nucleotide within the consensus splice site. This variant is not present in population databases (gnomAD no frequency). This variant has not been reported in the literature in individuals affected with CTR9-related conditions. Variants that disrupt the consensus splice site are a relatively common cause of aberrant splicing (PMID: 17576681, 9536098). Algorithms developed to predict the effect of sequence changes on RNA splicing suggest that this variant is not likely to affect RNA splicing. In summary, the available evidence is currently insufficient to determine the role of this variant in disease. Therefore, it has been classified as a Variant of Uncertain Significance.

Literature cited by the submitters: PubMed 17576681; PubMed 9536098.